The following is an entry in ClinVar:

ClinVar aggregate classification (germline): Uncertain significance. Review status: criteria provided, multiple submitters, no conflicts (2 of 4 stars). 2 submissions from 2 submitters: Uncertain significance (2). Last evaluated 2025-08-04.

Conditions:
Inborn genetic diseases. Identifiers: MedGen C0950123, MeSH D030342.

Allele frequency attached by ClinVar (database versions not stated): 1000 Genomes Project 30x 0.00016; 1000 Genomes Project 0.00020.
gnomAD v4.1: 25 of 1,594,634 alleles (0.0016%); highest among the groups gnomAD compares: South Asian, 0.01%; no homozygotes.

Submissions (2):

Ambry Genetics
Classification: Uncertain significance for Inborn genetic diseases. Last evaluated: 2025-08-04. Review status: criteria provided, single submitter. Criteria: Ambry Variant Classification Scheme 2023. Collection method: clinical testing. Allele origin: germline.

Labcorp Genetics (formerly Invitae), Labcorp
Classification: Uncertain significance. Last evaluated: 2022-02-22. Review status: criteria provided, single submitter. Criteria: Invitae Variant Classification Sherloc (09022015). Collection method: clinical testing. Allele origin: germline.
Comment: This sequence change replaces alanine, which is neutral and non-polar, with valine, which is neutral and non-polar, at codon 382 of the AGXT protein (p.Ala382Val). The frequency data for this variant in the population databases is considered unreliable, as metrics indicate poor data quality at this position in the gnomAD database. This variant has not been reported in the literature in individuals affected with AGXT-related conditions. Advanced modeling of protein sequence and biophysical properties (such as structural, functional, and spatial information, amino acid conservation, physicochemical variation, residue mobility, and thermodynamic stability) performed at Invitae indicates that this missense variant is expected to disrupt AGXT protein function. In summary, the available evidence is currently insufficient to determine the role of this variant in disease. Therefore, it has been classified as a Variant of Uncertain Significance.

NM_000030.3(AGXT):c.1145C>T (p.Ala382Val)

Gene: AGXT (alanine--glyoxylate aminotransferase; plus strand). Cytogenetic location: 2q37.3.
Variant type: single nucleotide variant.
Coding change: c.1145C>T on transcript NM_000030.3 (MANE Select); coding-DNA position 1145, C replaced by T.
Protein change: p.Ala382Val; replaces alanine 382 with valine.
Molecular consequence: missense variant.
Genome position (GRCh38, 1-based): chr2:240,878,787, C>T. VCF-style: chr2-240878787-C-T. GRCh37 (hg19) VCF-style: chr2-241818204-C-T.
Other names: short protein forms A382V.
Identifiers: ClinVar variation 2041014 (VCV002041014.3), dbSNP rs372021565, ClinGen allele CA2209434.
Genomic context (GRCh38, chr2:240,878,787, plus strand): 5'-GCCTGCTGGGCTGCAATGCCACCCGCGAGAATGTGGACCGCGTGACGGAGGCCCTGAGGG[C>T]GGCCCTGCAGCACTGCCCCAAGAAGAAGCTGTGACCTGCCCACTGGCACACAGCTGGCAC-3'
Protein context (NP_000021.1, residues 372-392): NVDRVTEALR[Ala382Val]ALQHCPKKKL